The following is an entry in ClinVar:

ClinVar aggregate classification (germline): Uncertain significance (1 of 4 stars; one submission).

Submission:

Labcorp Genetics (formerly Invitae), Labcorp
Classification: Uncertain significance. Last evaluated: 2024-04-22. Review status: criteria provided, single submitter. Criteria: Invitae Variant Classification Sherloc (09022015). Collection method: clinical testing. Allele origin: germline.
Comment: This sequence change replaces leucine, which is neutral and non-polar, with proline, which is neutral and non-polar, at codon 460 of the CTNNA1 protein (p.Leu460Pro). This variant is not present in population databases (gnomAD no frequency). This variant has not been reported in the literature in individuals affected with CTNNA1-related conditions. ClinVar contains an entry for this variant (Variation ID: 660882). Advanced modeling of protein sequence and biophysical properties (such as structural, functional, and spatial information, amino acid conservation, physicochemical variation, residue mobility, and thermodynamic stability) has been performed at Invitae for this missense variant, however the output from this modeling did not meet the statistical confidence thresholds required to predict the impact of this variant on CTNNA1 protein function. In summary, the available evidence is currently insufficient to determine the role of this variant in disease. Therefore, it has been classified as a Variant of Uncertain Significance.

NM_001903.5(CTNNA1):c.1379T>C (p.Leu460Pro)

Gene: CTNNA1 (catenin alpha 1; plus strand). Cytogenetic location: 5q31.2.
Variant type: single nucleotide variant.
Coding change: c.1379T>C on transcript NM_001903.5 (MANE Select); coding-DNA position 1379, T replaced by C.
Protein change: p.Leu460Pro; replaces leucine 460 with proline.
Molecular consequence: missense variant. On other transcripts: 5 prime UTR variant (4), intron variant (3).
Genome position (GRCh38, 1-based): chr5:138,904,431, T>C. VCF-style: chr5-138904431-T-C. GRCh37 (hg19) VCF-style: chr5-138240120-T-C.
Other names: c.1379T>C, p.Leu460Pro (NM_001290307.3, NM_001323982.2, NM_001323983.1 and 2 more transcripts); c.1070T>C, p.Leu357Pro (NM_001290309.3); c.1010T>C, p.Leu337Pro (NM_001290310.3); c.269T>C, p.Leu90Pro (NM_001290312.1, NM_001323987.1, NM_001323988.1 and 17 more transcripts); c.-129T>C (NM_001324006.1, NM_001324007.1, NM_001324008.1 and 1 more transcripts); c.26T>C, p.Leu9Pro (NM_001324012.1, NM_001324013.1); c.1297-13311T>C (NM_001323986.2); c.187-13311T>C (NM_001324011.1); and 1 more; short protein forms L460P, L9P, L357P, L337P, L90P.
Identifiers: ClinVar variation 660882 (VCV000660882.8), dbSNP rs1581614081, ClinGen allele CA361136037.